The following is an entry in ClinVar:

ClinVar aggregate classification (germline): Uncertain significance. Review status: criteria provided, multiple submitters, no conflicts (2 of 4 stars). 2 submissions from 2 submitters: Uncertain significance (2). Last evaluated 2025-07-08.

Conditions:
Inborn genetic diseases. Identifiers: MedGen C0950123, MeSH D030342.
Holocarboxylase synthetase deficiency. Also called: MULTIPLE CARBOXYLASE DEFICIENCY, EARLY ONSET. Identifiers: Orphanet 79242, MedGen C0268581, MONDO:0009666, OMIM 253270.

Allele frequency attached by ClinVar (database versions not stated): TOPMed below 0.00001; gnomAD 0.00001; gnomAD exomes 0.00001; ExAC 0.00002.
gnomAD v4.1: 4 of 1,614,038 alleles (0.00025%); highest among the groups gnomAD compares: Admixed American, 0.0067%; no homozygotes.

Submissions (2):

Labcorp Genetics (formerly Invitae), Labcorp
Classification: Uncertain significance for Holocarboxylase synthetase deficiency. Last evaluated: 2025-07-08. Review status: criteria provided, single submitter. Criteria: Invitae Variant Classification Sherloc (09022015). Collection method: clinical testing. Allele origin: germline.
Comment: This sequence change replaces proline, which is neutral and non-polar, with serine, which is neutral and polar, at codon 434 of the HLCS protein (p.Pro434Ser). This variant is present in population databases (rs753297035, gnomAD 0.01%). This variant has not been reported in the literature in individuals affected with HLCS-related conditions. ClinVar contains an entry for this variant (Variation ID: 2074391). Invitae Evidence Modeling of protein sequence and biophysical properties (such as structural, functional, and spatial information, amino acid conservation, physicochemical variation, residue mobility, and thermodynamic stability) has been performed for this missense variant. However, the output from this modeling did not meet the statistical confidence thresholds required to predict the impact of this variant on HLCS protein function. In summary, the available evidence is currently insufficient to determine the role of this variant in disease. Therefore, it has been classified as a Variant of Uncertain Significance.

Ambry Genetics
Classification: Uncertain significance for Inborn genetic diseases. Last evaluated: 2025-01-31. Review status: criteria provided, single submitter. Criteria: Ambry Variant Classification Scheme 2023. Collection method: clinical testing. Allele origin: germline.

NM_001352514.2(HLCS):c.1741C>T (p.Pro581Ser)

Gene: HLCS (holocarboxylase synthetase; minus strand). Cytogenetic location: 21q22.13.
Variant type: single nucleotide variant.
Coding change: c.1741C>T on transcript NM_001352514.2 (MANE Select); coding-DNA position 1741, C replaced by T.
Protein change: p.Pro581Ser; replaces proline 581 with serine.
Molecular consequence: missense variant. On other transcripts: non-coding transcript variant (2).
Genome position (GRCh38, 1-based): chr21:36,897,011, G>A on the plus strand (C>T on the coding strand, the complement: HLCS is on the minus strand). VCF-style: chr21-36897011-G-A. GRCh37 (hg19) VCF-style: chr21-38269311-G-A.
Other names: c.1300C>T (NM_000411.6); c.1300C>T, p.Pro434Ser (NM_000411.8, NM_001242784.3, NM_001242785.2 and 4 more transcripts); short protein forms P434S, P581S.
Identifiers: ClinVar variation 2074391 (VCV002074391.3), dbSNP rs753297035, ClinGen allele CA10020478.